The following is an entry in ClinVar:

NM_001379500.1(COL18A1):c.451G>A (p.Ala151Thr)

Gene: COL18A1 (collagen type XVIII alpha 1 chain; plus strand). Cytogenetic location: 21q22.3.
Variant type: single nucleotide variant.
Coding change: c.451G>A on transcript NM_001379500.1 (MANE Select); coding-DNA position 451, G replaced by A.
Protein change: p.Ala151Thr; replaces alanine 151 with threonine.
Molecular consequence: missense variant.
Genome position (GRCh38, 1-based): chr21:45,468,586, G>A. VCF-style: chr21-45468586-G-A. GRCh37 (hg19) VCF-style: chr21-46888500-G-A.
Other names: NM_130445.2:c.451G>A; c.991G>A (NM_030582.3); c.991G>A, p.Ala331Thr (NM_030582.4); c.1696G>A, p.Ala566Thr (NM_130444.3); short protein forms A151T, A331T, A566T.
Identifiers: ClinVar variation 1001762 (VCV001001762.7), dbSNP rs201833726, ClinGen allele CA10065750.

ClinVar aggregate classification (germline): Conflicting classifications of pathogenicity. Review status: criteria provided, conflicting classifications (1 of 4 stars). 4 submissions from 4 submitters: Uncertain significance (3); Likely benign (1). Last evaluated 2025-11-03.

Conditions:
Inborn genetic diseases. Identifiers: MedGen C0950123, MeSH D030342.
COL18A1-related disorder. Also called: COL18A1-related disorders; COL18A1-related condition.

Allele frequency attached by ClinVar (database versions not stated): gnomAD exomes 0.00008; ExAC 0.00010; 1000 Genomes Project 30x 0.00016; ESP Exome Variant Server 0.00016; 1000 Genomes Project 0.00020; gnomAD 0.00023 and 0.00025; TOPMed 0.00038.
gnomAD v4.1: 97 of 1,613,548 alleles (0.006%); highest among the groups gnomAD compares: African/African-American, 0.11%; 2 homozygotes.

Submissions (4):

PreventionGenetics, part of Exact Sciences
Classification: Uncertain significance for COL18A1-related condition. Last evaluated: 2025-11-03. Review status: criteria provided, single submitter. Criteria: ACMG Guidelines, 2015. Collection method: clinical testing. Allele origin: germline.
Comment: The COL18A1 c.991G>A variant is predicted to result in the amino acid substitution p.Ala331Thr. To our knowledge, this variant has not been reported in the literature. This variant is reported in 0.099% of alleles in individuals of African descent in gnomAD, which may be too frequent to be a primary cause of disease. Although we suspect that this variant may be benign, the clinical significance of this variant is currently classified as uncertain due to the absence of conclusive functional and genetic evidence.

Ambry Genetics
Classification: Uncertain significance for Inborn genetic diseases. Last evaluated: 2024-03-01. Review status: criteria provided, single submitter. Criteria: Ambry Variant Classification Scheme 2023. Collection method: clinical testing. Allele origin: germline.

Blueprint Genetics
Classification: Likely benign. Last evaluated: 2022-11-29. Review status: criteria provided, single submitter. Criteria: ACMG Guidelines, 2015. Collection method: clinical testing. Allele origin: germline.

Labcorp Genetics (formerly Invitae), Labcorp
Classification: Uncertain significance. Last evaluated: 2022-09-27. Review status: criteria provided, single submitter. Criteria: Invitae Variant Classification Sherloc (09022015). Collection method: clinical testing. Allele origin: germline.
Comment: This sequence change replaces alanine, which is neutral and non-polar, with threonine, which is neutral and polar, at codon 151 of the COL18A1 protein (p.Ala151Thr). This variant is present in population databases (rs201833726, gnomAD 0.1%). This variant has not been reported in the literature in individuals affected with COL18A1-related conditions. ClinVar contains an entry for this variant (Variation ID: 1001762). Experimental studies and prediction algorithms are not available or were not evaluated, and the functional significance of this variant is currently unknown. In summary, the available evidence is currently insufficient to determine the role of this variant in disease. Therefore, it has been classified as a Variant of Uncertain Significance.